The following is an entry in ClinVar:

NM_020821.3(VPS13C):c.488C>A (p.Pro163His)

Gene: VPS13C (vacuolar protein sorting 13 homolog C; minus strand). Cytogenetic location: 15q22.2.
Variant type: single nucleotide variant.
Coding change: c.488C>A on transcript NM_020821.3 (MANE Select); coding-DNA position 488, C replaced by A.
Protein change: p.Pro163His; replaces proline 163 with histidine.
Molecular consequence: missense variant. On other transcripts: intron variant (2).
Genome position (GRCh38, 1-based): chr15:62,023,806, G>T on the plus strand (C>A on the coding strand, the complement: VPS13C is on the minus strand). VCF-style: chr15-62023806-G-T. GRCh37 (hg19) VCF-style: chr15-62316005-G-T.
Other names: c.488C>A, p.Pro163His (NM_001018088.3); c.386-286C>A (NM_017684.5, NM_018080.4); short protein forms P163H.
Identifiers: ClinVar variation 3681153 (VCV003681153.2).

ClinVar aggregate classification (germline): Uncertain significance (1 of 4 stars; one submission).

gnomAD v4.1: 8 of 1,610,446 alleles (0.0005%); highest among the groups gnomAD compares: Non-Finnish European, 0.00059%; no homozygotes.

Submission:

Labcorp Genetics (formerly Invitae), Labcorp
Classification: Uncertain significance. Last evaluated: 2024-09-03. Review status: criteria provided, single submitter. Criteria: Invitae Variant Classification Sherloc (09022015). Collection method: clinical testing. Allele origin: germline.
Comment: This sequence change replaces proline, which is neutral and non-polar, with histidine, which is basic and polar, at codon 163 of the VPS13C protein (p.Pro163His). This variant is present in population databases (rs761958124, gnomAD 0.005%). This variant has not been reported in the literature in individuals affected with VPS13C-related conditions. An algorithm developed to predict the effect of missense changes on protein structure and function (PolyPhen-2) suggests that this variant is likely to be disruptive. In summary, the available evidence is currently insufficient to determine the role of this variant in disease. Therefore, it has been classified as a Variant of Uncertain Significance.